The following is an entry in ClinVar:

NM_004385.5(VCAN):c.8276C>T (p.Pro2759Leu)

Genes: VCAN (versican; plus strand), VCAN-AS1 (VCAN antisense RNA 1; minus strand). Cytogenetic location: 5q14.3.
Variant type: single nucleotide variant.
Coding change: c.8276C>T on transcript NM_004385.5 (MANE Select); coding-DNA position 8276, C replaced by T.
Protein change: p.Pro2759Leu; replaces proline 2759 with leucine.
Molecular consequence: missense variant. On other transcripts: intron variant (2).
Genome position (GRCh38, 1-based): chr5:83,541,279, C>T. VCF-style: chr5-83541279-C-T. GRCh37 (hg19) VCF-style: chr5-82837098-C-T.
Other names: c.5315C>T, p.Pro1772Leu (NM_001164097.2); c.4004-4258C>T (NM_001164098.2); c.1043-4258C>T (NM_001126336.3); short protein forms P1772L, P2759L.
Identifiers: ClinVar variation 4999898 (VCV004999898.1).

ClinVar aggregate classification (germline): Uncertain significance (1 of 4 stars; one submission).

Conditions:
VCAN-related disorder. Also called: VCAN-related condition.

Submission:

PreventionGenetics, part of Exact Sciences
Classification: Uncertain significance for VCAN-related condition. Last evaluated: 2025-06-07. Review status: criteria provided, single submitter. Criteria: ACMG Guidelines, 2015. Collection method: clinical testing. Allele origin: germline.
Comment: The VCAN c.8276C>T variant is predicted to result in the amino acid substitution p.Pro2759Leu. To our knowledge, this variant has not been reported in the literature. This variant is reported in 0.00088% of alleles in individuals of European (Non-Finnish) descent in gnomAD. At this time, the clinical significance of this variant is uncertain due to the absence of conclusive functional and genetic evidence.